The following is an entry in ClinVar:

NM_006922.4(SCN3A):c.5996A>C (p.Gln1999Pro)

Gene: SCN3A (sodium voltage-gated channel alpha subunit 3; minus strand). Cytogenetic location: 2q24.3.
Variant type: single nucleotide variant.
Coding change: c.5996A>C on transcript NM_006922.4 (MANE Select); coding-DNA position 5996, A replaced by C.
Protein change: p.Gln1999Pro; replaces glutamine 1999 with proline.
Molecular consequence: missense variant.
Genome position (GRCh38, 1-based): chr2:165,090,157, T>G on the plus strand (A>C on the coding strand, the complement: SCN3A is on the minus strand). VCF-style: chr2-165090157-T-G. GRCh37 (hg19) VCF-style: chr2-165946667-T-G.
Other names: c.5849A>C, p.Gln1950Pro (NM_001081676.2, NM_001081677.2); short protein forms Q1999P, Q1950P.
Identifiers: ClinVar variation 403874 (VCV000403874.10), dbSNP rs1060500007, ClinGen allele CA16610163.
Genomic context (GRCh38, chr2:165,090,157, plus strand): 5'-TTACCTTCATAGGCTGTAAACAATTGATCACAAAGATAATTCTTTGTTTCTTTTTACTTT[T>G]GATTTTCTCTGACCTCTTTTCCTTTGCTTTCTTTTTCTGGTTTGTCTTTCTCAAACTTTT-3'
Protein context (NP_008853.3, residues 1989-2000): ESKGKEVREN[Gln1999Pro]K

ClinVar aggregate classification (germline): Uncertain significance (1 of 4 stars; one submission).

Allele frequency attached by ClinVar (database versions not stated): TOPMed below 0.00001.

Submission:

Labcorp Genetics (formerly Invitae), Labcorp
Classification: Uncertain significance. Last evaluated: 2025-07-15. Review status: criteria provided, single submitter. Criteria: Invitae Variant Classification Sherloc (09022015). Collection method: clinical testing. Allele origin: germline.
Comment: This sequence change replaces glutamine, which is neutral and polar, with proline, which is neutral and non-polar, at codon 1999 of the SCN3A protein (p.Gln1999Pro). This variant is not present in population databases (gnomAD no frequency). This variant has not been reported in the literature in individuals affected with SCN3A-related conditions. ClinVar contains an entry for this variant (Variation ID: 403874). Invitae Evidence Modeling of protein sequence and biophysical properties (such as structural, functional, and spatial information, amino acid conservation, physicochemical variation, residue mobility, and thermodynamic stability) indicates that this missense variant is not expected to disrupt SCN3A protein function with a negative predictive value of 95%. In summary, the available evidence is currently insufficient to determine the role of this variant in disease. Therefore, it has been classified as a Variant of Uncertain Significance.